The following is an entry in ClinVar:

NM_001048174.2(MUTYH):c.724G>A (p.Val242Met)

Gene: MUTYH (mutY DNA glycosylase; minus strand). Cytogenetic location: 1p34.1.
Variant type: single nucleotide variant.
Coding change: c.724G>A on transcript NM_001048174.2 (MANE Select); coding-DNA position 724, G replaced by A.
Protein change: p.Val242Met; replaces valine 242 with methionine.
Molecular consequence: missense variant. On other transcripts: non-coding transcript variant (2).
Genome position (GRCh38, 1-based): chr1:45,332,291, C>T on the plus strand (G>A on the coding strand, the complement: MUTYH is on the minus strand). VCF-style: chr1-45332291-C-T. GRCh37 (hg19) VCF-style: chr1-45797963-C-T.
Other names: c.724G>A, p.Val242Met (NM_001048171.2, NM_001048173.2, NM_001293195.2); c.727G>A, p.Val243Met (NM_001048172.2); c.808G>A, p.Val270Met (NM_001128425.2); c.769G>A, p.Val257Met (NM_001293190.2); c.757G>A, p.Val253Met (NM_001293191.2); c.448G>A, p.Val150Met (NM_001293192.2, NM_001293196.2); c.379G>A, p.Val127Met (NM_001350650.2, NM_001350651.2); c.799G>A, p.Val267Met (NM_012222.3); short protein forms V270M, V150M, V243M, V257M, V267M, V253M, V242M, V127M.
Identifiers: ClinVar variation 481823 (VCV000481823.20), dbSNP rs765046399, ClinGen allele CA059229.

ClinVar aggregate classification (germline): Conflicting classifications of pathogenicity. Review status: criteria provided, conflicting classifications (1 of 4 stars). 5 submissions from 5 submitters: Likely pathogenic (1); Uncertain significance (4). Last evaluated 2025-12-03.

Conditions:
Hereditary cancer-predisposing syndrome. Also called: Tumor predisposition; Hereditary Cancer Syndrome; Neoplastic Syndromes, Hereditary; Hereditary neoplastic syndrome. Identifiers: Orphanet 140162, MedGen C0027672, MeSH D009386, MONDO:0015356.
Familial adenomatous polyposis 2. Also called: MUTYH-related attenuated familial adenomatous polyposis; MUTYH-associated polyposis; MYH-associated polyposis; FAP type 2; MUTYH Polyposis; COLORECTAL ADENOMATOUS POLYPOSIS, AUTOSOMAL RECESSIVE. Identifiers: Orphanet 220460, Orphanet 247798, MedGen C3272841, MONDO:0012041, OMIM 608456.

Allele frequency attached by ClinVar (database versions not stated): ExAC 0.00001; gnomAD 0.00001; gnomAD exomes 0.00001; TOPMed 0.00002.
gnomAD v4.1: 2 of 1,614,016 alleles (0.00012%); highest among the groups gnomAD compares: African/African-American, 0.0013%; no homozygotes.

Submissions (5):

Labcorp Genetics (formerly Invitae), Labcorp
Classification: Uncertain significance for Familial adenomatous polyposis 2. Last evaluated: 2025-12-03. Review status: criteria provided, single submitter. Criteria: Invitae Variant Classification Sherloc (09022015). Collection method: clinical testing. Allele origin: germline.
Comment: This sequence change replaces valine, which is neutral and non-polar, with methionine, which is neutral and non-polar, at codon 270 of the MUTYH protein (p.Val270Met). This variant is present in population databases (rs765046399, gnomAD 0.007%). This variant has not been reported in the literature in individuals affected with MUTYH-related conditions. ClinVar contains an entry for this variant (Variation ID: 481823). An algorithm developed to predict the effect of missense changes on protein structure and function (PolyPhen-2) suggests that this variant is likely to be disruptive. In summary, the available evidence is currently insufficient to determine the role of this variant in disease. Therefore, it has been classified as a Variant of Uncertain Significance.

Ambry Genetics
Classification: Likely pathogenic for Hereditary cancer-predisposing syndrome. Last evaluated: 2025-08-15. Review status: criteria provided, single submitter. Criteria: Ambry Variant Classification Scheme 2023. Collection method: clinical testing. Allele origin: germline.
Comment: The p.V270M variant (also known as c.808G>A), located in coding exon 10 of the MUTYH gene, results from a G to A substitution at nucleotide position 808. The valine at codon 270 is replaced by methionine, an amino acid with highly similar properties. In a massively parallel cell-based functional assay testing 7,8-dihydro-8- oxoguanine:adenine (8OG:A) repair activity, a byproduct of oxidative damage, this variant was reported to be non-functional (Hemker SL et al. Am J Hum Genet. Published online July 29, 2025. DOI: 10.1016/j.ajhg.2025.07.005). This amino acid position is highly conserved in available vertebrate species. In addition, this alteration is predicted to be deleterious by in silico analysis. This variant is considered to be rare based on population cohorts in the Genome Aggregation Database (gnomAD). Based on the majority of available evidence to date, this variant is likely to be pathogenic.

Blueprint Genetics
Classification: Uncertain significance. Last evaluated: 2024-07-16. Review status: criteria provided, single submitter. Criteria: ACMG Guidelines, 2015. Collection method: clinical testing. Allele origin: germline.

Color Diagnostics, LLC DBA Color Health
Classification: Uncertain significance for Hereditary cancer-predisposing syndrome. Last evaluated: 2024-03-10. Review status: criteria provided, single submitter. Criteria: ACMG Guidelines, 2015. Collection method: clinical testing. Allele origin: germline.
Comment: This missense variant replaces valine with methionine at codon 270 of the MUTYH protein. Computational prediction suggests that this variant may have deleterious impact on protein structure and function (internally defined REVEL score threshold >= 0.7, PMID: 27666373). To our knowledge, functional studies have not been reported for this variant. This variant has not been reported in individuals affected with MUTYH-related disorders in the literature. This variant has been identified in 2/250058 chromosomes in the general population by the Genome Aggregation Database (gnomAD). The available evidence is insufficient to determine the role of this variant in disease conclusively. Therefore, this variant is classified as a Variant of Uncertain Significance.

Baylor Genetics
Classification: Uncertain significance for Familial adenomatous polyposis 2. Last evaluated: 2023-11-10. Review status: criteria provided, single submitter. Criteria: ACMG Guidelines, 2015. Collection method: clinical testing. Allele origin: unknown.

Literature cited by the submitters: PubMed 40738107 (cited by Ambry Genetics).